The following is an entry in ClinVar:

NM_003722.5(TP63):c.688G>C (p.Val230Leu)

Gene: TP63 (tumor protein p63; plus strand). Cytogenetic location: 3q28.
Variant type: single nucleotide variant.
Coding change: c.688G>C on transcript NM_003722.5 (MANE Select); coding-DNA position 688, G replaced by C.
Protein change: p.Val230Leu; replaces valine 230 with leucine.
Molecular consequence: missense variant.
Genome position (GRCh38, 1-based): chr3:189,864,340, G>C. VCF-style: chr3-189864340-G-C. GRCh37 (hg19) VCF-style: chr3-189582129-G-C.
Other names: c.688G>C, p.Val230Leu (NM_001114978.2, NM_001114979.2, NM_001329144.2 and 1 more transcripts); c.406G>C, p.Val136Leu (NM_001114980.2, NM_001114981.2, NM_001114982.2 and 2 more transcripts); c.151G>C, p.Val51Leu (NM_001329146.2, NM_001329150.2); c.682G>C, p.Val228Leu (NM_001329964.2); short protein forms V228L, V51L, V136L, V230L.
Identifiers: ClinVar variation 903493 (VCV000903493.8), dbSNP rs201466089, ClinGen allele CA2752227.

ClinVar aggregate classification (germline): Conflicting classifications of pathogenicity. Review status: criteria provided, conflicting classifications (1 of 4 stars). 5 submissions from 3 submitters: Uncertain significance (1); Likely benign (3). 1 of the submissions does not count toward it. Last evaluated 2024-08-02.

Conditions:
Orofacial cleft 8. Also called: Cleft lip with or without cleft palate, nonsyndromic, 8. Identifiers: MedGen C1851878, MONDO:0029145, OMIM 618149.
Ectrodactyly, ectodermal dysplasia, and cleft lip-palate syndrome 3. Also called: Ectrodactyly, Ectodermal Dysplasia, Clefting Syndrome Type 3 (EEC3); Ectrodactyly, Ectodermal Dysplasia, Cleft Lip/Palate Syndrome 3 (EEC3); Ectrodactyly, Ectodermal Dysplasia, Clefting Syndrome; EEC SYNDROME 3. Identifiers: Orphanet 1896, MedGen C1858562, MONDO:0011428, OMIM 604292.
TP63-Related Spectrum Disorders.

Allele frequency attached by ClinVar (database versions not stated): TOPMed 0.00003; gnomAD 0.00004; gnomAD exomes 0.00004 and 0.00007; ExAC 0.00007.
gnomAD v4.1: 65 of 1,613,984 alleles (0.004%); highest among the groups gnomAD compares: Admixed American, 0.0017%; no homozygotes.

Submissions (5):

Labcorp Genetics (formerly Invitae), Labcorp
Classification: Likely benign. Last evaluated: 2024-08-02. Review status: criteria provided, single submitter. Criteria: Invitae Variant Classification Sherloc (09022015). Collection method: clinical testing. Allele origin: germline.

Illumina Laboratory Services, Illumina
Classification: Uncertain significance for Orofacial cleft 8. Last evaluated: 2018-01-13. Review status: criteria provided, single submitter. Criteria: ICSL Variant Classification Criteria 13 December 2019. Collection method: clinical testing. Allele origin: germline.

Illumina Laboratory Services, Illumina
Classification: Likely benign for TP63-Related Spectrum Disorders. Last evaluated: 2018-01-13. Review status: criteria provided, single submitter. Criteria: ICSL Variant Classification Criteria 13 December 2019. Collection method: clinical testing. Allele origin: germline.
Comment: This variant was observed in the ICSL laboratory as part of a predisposition screen in an ostensibly healthy population. It had not been previously curated by ICSL or reported in the Human Gene Mutation Database (HGMD: prior to June 1st, 2018), and was therefore a candidate for classification through an automated scoring system. Utilizing variant allele frequency, disease prevalence and penetrance estimates, and inheritance mode, an automated score was calculated to assess if this variant is too frequent to cause the disease. Based on the score and internal cut-off values, a variant classified as likely benign is not then subjected to further curation. The score for this variant resulted in a classification of likely benign for this disease.

Illumina Laboratory Services, Illumina
Classification: Likely benign for Ectrodactyly, ectodermal dysplasia, and cleft lip-palate syndrome 3. Last evaluated: 2018-01-13. Review status: criteria provided, single submitter. Criteria: ICSL Variant Classification Criteria 13 December 2019. Collection method: clinical testing. Allele origin: germline.
Comment: the same text as in the submission from Illumina Laboratory Services, Illumina above.

Department of Pathology and Laboratory Medicine, Sinai Health System
Classification: Uncertain significance. Review status: no assertion criteria provided. Collection method: clinical testing. Allele origin: unknown. Affected: yes. Study: The Canadian Open Genetics Repository (COGR). Not counted in ClinVar's aggregate classification.
Comment: The TP63 p.Val230Leu variant was not identified in the literature nor was it identified in ClinVar. The variant was identified in dbSNP (ID: rs201466089) and Cosmic. The variant was identified in control databases in 17 of 236620 chromosomes at a frequency of 0.00007185 (Genome Aggregation Database March 6, 2019, v2.1.1, non-cancer). The variant was observed in the following populations: Ashkenazi Jewish in 16 of 9564 chromosomes (freq: 0.001673) and European (non-Finnish) in 1 of 102504 chromosomes (freq: 0.00001), but was not observed in the African, Latino, East Asian, European (Finnish), Other, or South Asian populations. The p.Val230 residue is conserved in mammals and computational analyses (PolyPhen-2, SIFT, AlignGVGD, BLOSUM, MutationTaster) provide inconsistent predictions regarding the impact to the protein; this information is not very predictive of pathogenicity. The variant occurs outside of the splicing consensus sequence and in silico or computational prediction software programs (SpliceSiteFinder, MaxEntScan, NNSPLICE, GeneSplicer) do not predict a difference in splicing. In summary, based on the above information the clinical significance of this variant cannot be determined with certainty at this time. This variant is classified as a variant of uncertain significance.